The following is an entry in ClinVar:

NM_014694.4(ADAMTSL2):c.387G>A (p.Thr129=)

Gene: ADAMTSL2 (ADAMTS like 2; plus strand). Cytogenetic location: 9q34.2.
Variant type: single nucleotide variant.
Coding change: c.387G>A on transcript NM_014694.4 (MANE Select); coding-DNA position 387, G replaced by A.
Protein change: p.Thr129=; no amino-acid change (threonine 129 retained).
Molecular consequence: synonymous variant.
Genome position (GRCh38, 1-based): chr9:133,539,848, G>A. VCF-style: chr9-133539848-G-A. GRCh37 (hg19) VCF-style: chr9-136404970-G-A.
Other names: c.387G>A, p.Thr129= (NM_001145320.2).
Identifiers: ClinVar variation 624374 (VCV000624374.50), dbSNP rs146802900, ClinGen allele CA5312589.
Genomic context (GRCh38, chr9:133,539,848, plus strand): 5'-GAGGAGCTTCCGCGAGGAGCAGTGCGTCTCCTTCAACTCCCACGTGTACAACGGGCGGAC[G>A]CACCAGTGGAAGCCTCTGTACCCGGGTACCTGCCGCCCTGGGGACCCACCTTGCAGGGAG-3'
Protein context (NP_055509.2, residues 119-139): SFNSHVYNGR[Thr129=]HQWKPLYPDD

ClinVar aggregate classification (germline): Likely benign. Review status: criteria provided, multiple submitters, no conflicts (2 of 4 stars). 5 submissions from 5 submitters: Likely benign (4). 1 of the submissions does not count toward it. Last evaluated 2024-10-29.

Conditions:
Geleophysic dysplasia 1 (GPHYSD1). Also called: Geleophysic dwarfism. Identifiers: Orphanet 2623, MedGen C3278147, MONDO:0009269, OMIM 231050.
ADAMTSL2-related disorder. Also called: ADAMTSL2-related condition.

Allele frequency attached by ClinVar (database versions not stated): ExAC 0.00099; 1000 Genomes Project 30x 0.00125; ESP Exome Variant Server 0.00142; 1000 Genomes Project 0.00160; gnomAD 0.00168 and 0.00185; TOPMed 0.00188.
gnomAD v4.1: 776 of 1,550,960 alleles (0.05%); highest among the groups gnomAD compares: African/African-American, 0.53%; 3 homozygotes.

Submissions (5):

Blueprint Genetics
Classification: Likely benign. Last evaluated: 2024-10-29. Review status: criteria provided, single submitter. Criteria: ACMG Guidelines, 2015. Collection method: clinical testing. Allele origin: germline.

CeGaT Center for Human Genetics Tuebingen
Classification: Likely benign. Last evaluated: 2022-08-01. Review status: criteria provided, single submitter. Criteria: CeGaT Center For Human Genetics Tuebingen Variant Classification Criteria Version 2. Collection method: clinical testing. Allele origin: germline. Affected: yes. Observed: 3 variant alleles.
Comment: ADAMTSL2: BP4, BP7

Illumina Laboratory Services, Illumina
Classification: Likely benign for Geleophysic dysplasia 1. Last evaluated: 2018-01-13. Review status: criteria provided, single submitter. Criteria: ICSL Variant Classification Criteria 13 December 2019. Collection method: clinical testing. Allele origin: germline.
Comment: This variant was observed in the ICSL laboratory as part of a predisposition screen in an ostensibly healthy population. It had not been previously curated by ICSL or reported in the Human Gene Mutation Database (HGMD: prior to June 1st, 2018), and was therefore a candidate for classification through an automated scoring system. Utilizing variant allele frequency, disease prevalence and penetrance estimates, and inheritance mode, an automated score was calculated to assess if this variant is too frequent to cause the disease. Based on the score and internal cut-off values, a variant classified as likely benign is not then subjected to further curation. The score for this variant resulted in a classification of likely benign for this disease.

Breakthrough Genomics
Classification: Likely benign. Review status: criteria provided, single submitter. Criteria: ACMG Guidelines, 2015. Collection method: not provided. Allele origin: germline. Inheritance: Autosomal recessive inheritance. Affected: yes.

PreventionGenetics, part of Exact Sciences
Classification: Likely benign for ADAMTSL2-related condition. Last evaluated: 2019-07-30. Review status: no assertion criteria provided. Collection method: clinical testing. Allele origin: germline. Not counted in ClinVar's aggregate classification.
Comment: This variant is classified as likely benign based on ACMG/AMP sequence variant interpretation guidelines (Richards et al. 2015 PMID: 25741868, with internal and published modifications).